The following is an entry in ClinVar:

NM_025114.4(CEP290):c.5610A>C (p.Lys1870Asn)

Gene: CEP290 (centrosomal protein 290; minus strand). Cytogenetic location: 12q21.32.
Variant type: single nucleotide variant.
Coding change: c.5610A>C on transcript NM_025114.4 (MANE Select); coding-DNA position 5610, A replaced by C.
Protein change: p.Lys1870Asn; replaces lysine 1870 with asparagine.
Molecular consequence: missense variant.
Genome position (GRCh38, 1-based): chr12:88,077,321, T>G on the plus strand (A>C on the coding strand, the complement: CEP290 is on the minus strand). VCF-style: chr12-88077321-T-G. GRCh37 (hg19) VCF-style: chr12-88471098-T-G.
Other names: short protein forms K1870N.
Identifiers: ClinVar variation 4995374 (VCV004995374.1).

ClinVar aggregate classification (germline): Uncertain significance (1 of 4 stars; one submission).

Conditions:
CEP290-related disorder. Also called: CEP290-related condition; CEP290-related disorders. Identifiers: MedGen CN239314.

gnomAD v4.1: 1 of 1,574,978 alleles (0.000063%); highest among the groups gnomAD compares: Non-Finnish European, 0.000086%; no homozygotes.

Submission:

PreventionGenetics, part of Exact Sciences
Classification: Uncertain significance for CEP290-related condition. Last evaluated: 2026-06-16. Review status: criteria provided, single submitter. Criteria: ACMG Guidelines, 2015. Collection method: clinical testing. Allele origin: germline.
Comment: The CEP290 c.5610A>C variant is predicted to result in the amino acid substitution p.Lys1870Asn. To our knowledge, this variant has not been reported in the literature or in a large population database (gnomAD), indicating this variant is rare. At this time, the clinical significance of this variant is uncertain due to the absence of conclusive functional and genetic evidence.